The following is an entry in ClinVar:

ClinVar aggregate classification (germline): Conflicting classifications of pathogenicity. Review status: criteria provided, conflicting classifications (1 of 4 stars). 13 submissions from 13 submitters: Uncertain significance (9); Likely benign (4). Last evaluated 2026-04-08.

Conditions:
MET-related disorder. Also called: MET-related condition.
Hereditary cancer. Identifiers: MedGen C1333600.
Renal cell carcinoma. Identifiers: Orphanet 217071, MedGen C0007134, MeSH D002292, MONDO:0005086, HP:0005584.
Hereditary cancer-predisposing syndrome. Also called: Tumor predisposition; Neoplastic Syndromes, Hereditary; Hereditary neoplastic syndrome; Hereditary Cancer Syndrome. Identifiers: Orphanet 140162, MedGen C0027672, MeSH D009386, MONDO:0015356.
Papillary renal cell carcinoma type 1 (RCCP1). Also called: RENAL CELL CARCINOMA, PAPILLARY, 1, SOMATIC; Renal adenocarcinoma; Renal cell carcinoma 1; Renal cell carcinoma, somatic. Identifiers: Orphanet 47044, MedGen C1336839, OMIM 605074, HP:0011797.

Allele frequency attached by ClinVar (database versions not stated): TOPMed 0.00028; 1000 Genomes Project 30x 0.00031; ESP Exome Variant Server 0.00033; 1000 Genomes Project 0.00020; gnomAD 0.00022 and 0.00023.
gnomAD v4.1: 505 of 1,594,300 alleles (0.032%); highest among the groups gnomAD compares: Non-Finnish European, 0.041%; 1 homozygote.

Submissions (13):

PreventionGenetics, part of Exact Sciences
Classification: Uncertain significance for MET-related condition. Last evaluated: 2026-04-08. Review status: criteria provided, single submitter. Criteria: ACMG Guidelines, 2015. Collection method: clinical testing. Allele origin: germline.
Comment: The MET c.1076G>A variant is predicted to result in the amino acid substitution p.Arg359Gln. This variant has been reported in at least two individuals with breast cancer and one individual with metastatic papillary thyroid cancer (Penkert et al. 2018. PubMed ID: 30086788; Johansson et al. 2021. PubMed ID: 34389035; Table S3, Guindalini et al. 2022. PubMed ID: 35264596); however, no evidence associating R359Q with cancer development was provided for any of these individuals. Moreover, in vitro experimental studies of this variant in transfected papillary thyroid cancer cell lines were inconclusive regarding any potential impacts on protein function (Supplemental Figures 1-4, Johansson et al. 2021. PubMed ID: 34389035). This variant is reported in 0.042% of alleles in individuals of European (non-Finnish) descent in gnomAD, including one homozygote, and has conflicting interpretations in ClinVar ranging from uncertain to likely benign (Variation ID: 93564). Although we suspect that this variant may be benign, the clinical significance of this variant is uncertain at this time due to the absence of conclusive functional and genetic evidence.

St. Jude Molecular Pathology, St. Jude Children's Research Hospital
Classification: Uncertain significance for Papillary renal cell carcinoma type 1. Last evaluated: 2026-02-11. Review status: criteria provided, single submitter. Criteria: St. Jude Assertion Criteria 2020. Collection method: clinical testing. Allele origin: germline.
Comment: The MET c.1076G>A p.(Arg359Gln) missense change has a maximum subpopulation frequency of 0.04% in gnomAD v2.1.1. The in silico tool REVEL predicts a benign effect on protein function, but to our knowledge this prediction has not been confirmed by functional studies. To our knowledge, this variant has not been reported in individuals with hereditary papillary renal cell carcinoma. In summary, the evidence currently available is insufficient to determine the clinical significance of this variant. It has therefore been classified as of uncertain significance.

Labcorp Genetics (formerly Invitae), Labcorp
Classification: Uncertain significance for Renal cell carcinoma. Last evaluated: 2026-02-03. Review status: criteria provided, single submitter. Criteria: Invitae Variant Classification Sherloc (09022015). Collection method: clinical testing. Allele origin: germline.
Comment: This sequence change replaces arginine, which is basic and polar, with glutamine, which is neutral and polar, at codon 359 of the MET protein (p.Arg359Gln). This variant is present in population databases (rs201274041, gnomAD 0.04%). This variant has not been reported in the literature in individuals affected with MET-related conditions. ClinVar contains an entry for this variant (Variation ID: 93564). Invitae Evidence Modeling of protein sequence and biophysical properties (such as structural, functional, and spatial information, amino acid conservation, physicochemical variation, residue mobility, and thermodynamic stability) indicates that this missense variant is not expected to disrupt MET protein function with a negative predictive value of 80%. In summary, the available evidence is currently insufficient to determine the role of this variant in disease. Therefore, it has been classified as a Variant of Uncertain Significance.

Center for Genomic Medicine, Rigshospitalet, Copenhagen University Hospital
Classification: Uncertain significance. Last evaluated: 2025-12-29. Review status: criteria provided, single submitter. Criteria: ACMG Guidelines, 2015. Collection method: clinical testing. Allele origin: germline.

GeneDx
Classification: Uncertain significance. Last evaluated: 2025-04-25. Review status: criteria provided, single submitter. Criteria: GeneDx Variant Classification Process June 2021. Collection method: clinical testing. Allele origin: germline. Affected: yes.
Comment: In silico analysis indicates that this missense variant does not alter protein structure/function; Published functional studies suggest this variant may increase MET expression but does not appear to impact cell migration or invasion (PMID: 34389035); Observed in individuals with thyroid cancer and breast cancer (PMID: 30086788, 34389035, 35264596); This variant is associated with the following publications: (PMID: 26718692, 28192086, 29049316, Rastegar2021[abstract], 34389035, 23334666, 26700204, 28873162, 28619094, 30086788, 35264596)

ARUP Laboratories, Molecular Genetics and Genomics, ARUP Laboratories
Classification: Uncertain significance. Last evaluated: 2025-03-11. Review status: criteria provided, single submitter. Criteria: ARUP Molecular Germline Variant Investigation Process 2024. Collection method: clinical testing. Allele origin: germline.
Comment: The MET c.1076G>A; p.Arg359Gln variant (rs201274041, ClinVar Variation ID 93564) is reported in the literature in individuals with breast and thyroid cancer, however, the effect on disease-causation is unclear (Guindalini 2022, Johansson 2021, Penkert 2018). This variant is found in the general population with an overall allele frequency of 0.02% (61/263548 alleles, including one homozygote) in the Genome Aggregation Database (v2.1.1). Functional analyses of the variant protein show no effect on cell migration and invasion (Johansson 2021). Computational analyses are uncertain whether this variant is neutral or deleterious (REVEL: 0.193). Due to limited information, the clinical significance of this variant is uncertain at this time. References: Guindalini RSC et al. Detection of germline variants in Brazilian breast cancer patients using multigene panel testing. Sci Rep. 2022 Mar 9. PMID: 35264596 Johansson K et al. Development of metastatic poorly differentiated thyroid cancer from a sub-centimeter papillary thyroid carcinoma in a young patient with a germline MET mutation - association or random chance? Thyroid Res. 2021 Aug 14. PMID: 34389035 Penkert J et al. Breast cancer patients suggestive of Li-Fraumeni syndrome: mutational spectrum, candidate genes, and unexplained heredity. Breast Cancer Res. 2018 Aug 7. PMID: 30086788

Quest Diagnostics Nichols Institute San Juan Capistrano
Classification: Uncertain significance. Last evaluated: 2024-12-26. Review status: criteria provided, single submitter. Criteria: Quest Diagnostics criteria. Collection method: clinical testing. Allele origin: unknown.

Myriad Genetics, Inc.
Classification: Likely benign for Papillary renal cell carcinoma type 1. Last evaluated: 2024-11-07. Review status: criteria provided, single submitter. Criteria: Myriad Autosomal Dominant, Autosomal Recessive and X-Linked Classification Criteria (2023). Collection method: clinical testing. Allele origin: unknown.
Comment: This variant is considered likely benign. This variant has been observed at a population frequency that is significantly greater than expected given the associated disease prevalence and penetrance.

Mendelics
Classification: Likely benign for Hereditary cancer. Last evaluated: 2024-09-11. Review status: criteria provided, single submitter. Criteria: ACMG Guidelines, 2015. Collection method: clinical testing. Allele origin: unknown.
Comment: This variant is considered likely benign or benign based on one or more of the following: it is predicted to be benign by multiple in silico algorithms, and/or has population frequency not consistent with disease, and/or has normal protein function, and/or has lack of segregation with disease, and/or has been detected in co-occurrence with known pathogenic variant, and/or has lack of disease association in case-control studies, and/or is located in a region inconsistent with a known cause of pathogenicity.

Institute for Clinical Genetics, University Hospital TU Dresden, University Hospital TU Dresden
Classification: Uncertain significance. Last evaluated: 2021-11-03. Review status: criteria provided, single submitter. Criteria: ACMG Guidelines, 2015. Collection method: clinical testing. Allele origin: germline.

Ambry Genetics
Classification: Likely benign for Hereditary cancer-predisposing syndrome. Last evaluated: 2020-05-06. Review status: criteria provided, single submitter. Criteria: Ambry Variant Classification Scheme 2023. Collection method: clinical testing. Allele origin: germline.

Illumina Laboratory Services, Illumina
Classification: Likely benign for Papillary renal cell carcinoma type 1. Last evaluated: 2017-04-27. Review status: criteria provided, single submitter. Criteria: ICSL Variant Classification Criteria 13 December 2019. Collection method: clinical testing. Allele origin: germline.
Comment: This variant was observed as part of a predisposition screen in an ostensibly healthy population. A literature search was performed for the gene, cDNA change, and amino acid change (where applicable). No publications were found based on this search. Allele frequency data from public databases allowed determination this variant is unlikely to cause disease. Therefore, this variant is classified as likely benign.

Eurofins Ntd Llc (ga)
Classification: Uncertain significance. Last evaluated: 2013-10-01. Review status: criteria provided, single submitter. Criteria: EGL Classification Definitions 2015. Collection method: clinical testing. Allele origin: germline. Observed: 1 variant allele, 1 heterozygote.

Literature cited by the submitters: PubMed 26718692 (cited by Ambry Genetics).

NM_000245.4(MET):c.1076G>A (p.Arg359Gln)

Gene: MET (MET proto-oncogene, receptor tyrosine kinase; plus strand). Cytogenetic location: 7q31.2.
Variant type: single nucleotide variant.
Coding change: c.1076G>A on transcript NM_000245.4 (MANE Select); coding-DNA position 1076, G replaced by A.
Protein change: p.Arg359Gln; replaces arginine 359 with glutamine.
Molecular consequence: missense variant. On other transcripts: intron variant (1).
Genome position (GRCh38, 1-based): chr7:116,700,160, G>A. VCF-style: chr7-116700160-G-A. GRCh37 (hg19) VCF-style: chr7-116340214-G-A.
Other names: c.1076G>A, p.Arg359Gln (NM_001127500.3, NM_001324401.3); c.-91+27583G>A (NM_001324402.2); c.1076G>A (NM_001127500.2); short protein forms R359Q.
Identifiers: ClinVar variation 93564 (VCV000093564.42), dbSNP rs201274041, ClinGen allele CA221494.
Genomic context (GRCh38, chr7:116,700,160, plus strand): 5'-ATGACATTCTTTTCGGGGTGTTCGCACAAAGCAAGCCAGATTCTGCCGAACCAATGGATC[G>A]ATCTGCCATGTGTGCATTCCCTATCAAATATGTCAACGACTTCTTCAACAAGATCGTCAA-3'
Protein context (NP_000236.2, residues 349-369): SKPDSAEPMD[Arg359Gln]SAMCAFPIKY